The following is an entry in ClinVar:

NM_177965.4(CFAP418):c.329G>T (p.Gly110Val)

Gene: CFAP418 (cilia and flagella associated protein 418; minus strand). Cytogenetic location: 8q22.1.
Variant type: single nucleotide variant.
Coding change: c.329G>T on transcript NM_177965.4 (MANE Select); coding-DNA position 329, G replaced by T.
Protein change: p.Gly110Val; replaces glycine 110 with valine.
Molecular consequence: missense variant.
Genome position (GRCh38, 1-based): chr8:95,259,885, C>A on the plus strand (G>T on the coding strand, the complement: CFAP418 is on the minus strand). VCF-style: chr8-95259885-C-A. GRCh37 (hg19) VCF-style: chr8-96272113-C-A.
Other names: c.329G>T, p.Gly110Val (NM_001363260.1); short protein forms G110V.
Identifiers: ClinVar variation 4980039 (VCV004980039.1).

ClinVar aggregate classification (germline): Uncertain significance (1 of 4 stars; one submission).

Conditions:
CFAP418-related disorder. Also called: CFAP418-related condition.

gnomAD v4.1: 2 of 1,608,078 alleles (0.00012%); highest among the groups gnomAD compares: African/African-American, 0.0027%; no homozygotes.

Submission:

PreventionGenetics, part of Exact Sciences
Classification: Uncertain significance for CFAP418-related condition. Last evaluated: 2026-01-06. Review status: criteria provided, single submitter. Criteria: ACMG Guidelines, 2015. Collection method: clinical testing. Allele origin: germline.
Comment: The CFAP418 c.329G>T variant is predicted to result in the amino acid substitution p.Gly110Val. To our knowledge, this variant has not been reported in the literature. This variant is reported in 0.0064% of alleles in individuals of African descent in gnomAD. At this time, the clinical significance of this variant is uncertain due to the absence of conclusive functional and genetic evidence.